The following is an entry in ClinVar:

NM_005902.4(SMAD3):c.441G>A (p.Pro147=)

Gene: SMAD3 (SMAD family member 3; plus strand). Cytogenetic location: 15q22.33.
Variant type: single nucleotide variant.
Coding change: c.441G>A on transcript NM_005902.4 (MANE Select); coding-DNA position 441, G replaced by A.
Protein change: p.Pro147=; no amino-acid change (proline 147 retained).
Molecular consequence: synonymous variant.
Genome position (GRCh38, 1-based): chr15:67,165,293, G>A. VCF-style: chr15-67165293-G-A. GRCh37 (hg19) VCF-style: chr15-67457631-G-A.
Other names: c.126G>A, p.Pro42= (NM_001145102.2); c.309G>A, p.Pro103= (NM_001145103.2).
Identifiers: ClinVar variation 378621 (VCV000378621.18), dbSNP rs140275295, ClinGen allele CA062244.
Genomic context (GRCh38, chr15:67,165,293, plus strand): 5'-GCTCTGTCTCCCCCGGACAGTTCTACCTCCTGTGTTGGTGCCACGCCACACAGAGATCCC[G>A]GCCGAGTTCCCCCCACTGGACGACTACAGCCATTCCATCCCCGAAAACACTAACTTCCCC-3'
Protein context (NP_005893.1, residues 137-157): PVLVPRHTEI[Pro147=]AEFPPLDDYS

ClinVar aggregate classification (germline): Likely benign. Review status: criteria provided, multiple submitters, no conflicts (2 of 4 stars). 7 submissions from 7 submitters: Likely benign (7). Last evaluated 2025-12-22.

Conditions:
Familial thoracic aortic aneurysm and aortic dissection (TAAD). Also called: Thoracic aortic aneurysms and dissections. Identifiers: Orphanet 91387, MedGen C4707243, MONDO:0019625.
Aneurysm-osteoarthritis syndrome. Also called: Loeys-Dietz syndrome, type 1C; ANEURYSMS-OSTEOARTHRITIS SYNDROME; SMAD3-Related Loeys-Dietz Syndrome; LOEYS-DIETZ SYNDROME WITH OSTEOARTHRITIS. Identifiers: Orphanet 284984, MedGen C3151087, MONDO:0013426, OMIM 613795.

Allele frequency attached by ClinVar (database versions not stated): TOPMed 0.00003; ExAC 0.00005; ESP Exome Variant Server 0.00023.
gnomAD v4.1: 43 of 1,614,026 alleles (0.0027%); highest among the groups gnomAD compares: East Asian, 0.0089%; no homozygotes.

Submissions (7):

Labcorp Genetics (formerly Invitae), Labcorp
Classification: Likely benign for Familial thoracic aortic aneurysm and aortic dissection. Last evaluated: 2025-12-22. Review status: criteria provided, single submitter. Criteria: Invitae Variant Classification Sherloc (09022015). Collection method: clinical testing. Allele origin: germline.

Ambry Genetics
Classification: Likely benign for Familial thoracic aortic aneurysm and aortic dissection. Last evaluated: 2024-06-14. Review status: criteria provided, single submitter. Criteria: Ambry Variant Classification Scheme 2023. Collection method: clinical testing. Allele origin: germline.

All of Us Research Program, National Institutes of Health
Classification: Likely benign for Aneurysm-osteoarthritis syndrome. Last evaluated: 2023-12-13. Review status: criteria provided, single submitter. Criteria: ACMG Guidelines, 2015. Collection method: clinical testing. Allele origin: germline. Inheritance: Autosomal dominant inheritance. Observed: 4 variant alleles, 4 heterozygotes.
Comment: This study involves interpretation of variants in research participants for the purpose of population health screening. Participant phenotype was not available at the time of variant classification. Additional details can be found in publication PMID: 35346344, PMCID: PMC8962531

Blueprint Genetics
Classification: Likely benign. Last evaluated: 2023-07-17. Review status: criteria provided, single submitter. Criteria: ACMG Guidelines, 2015. Collection method: clinical testing. Allele origin: germline.

CHEO Genetics Diagnostic Laboratory, Children's Hospital of Eastern Ontario
Classification: Likely benign for Familial thoracic aortic aneurysm and aortic dissection. Last evaluated: 2020-05-11. Review status: criteria provided, single submitter. Criteria: ACMG Guidelines, 2015. Collection method: clinical testing. Allele origin: germline.

Color Diagnostics, LLC DBA Color Health
Classification: Likely benign for Familial thoracic aortic aneurysm and aortic dissection. Last evaluated: 2019-01-25. Review status: criteria provided, single submitter. Criteria: ACMG Guidelines, 2015. Collection method: clinical testing. Allele origin: germline.

GeneDx
Classification: Likely benign. Last evaluated: 2017-01-16. Review status: criteria provided, single submitter. Criteria: GeneDx Variant Classification (06012015). Collection method: clinical testing. Allele origin: germline. Affected: yes.
Comment: This variant is considered likely benign or benign based on one or more of the following criteria: it is a conservative change, it occurs at a poorly conserved position in the protein, it is predicted to be benign by multiple in silico algorithms, and/or has population frequency not consistent with disease.